The following is an entry in ClinVar:

NM_000540.3(RYR1):c.9456C>T (p.Phe3152=)

Gene: RYR1 (ryanodine receptor 1; plus strand). Cytogenetic location: 19q13.2.
Variant type: single nucleotide variant.
Coding change: c.9456C>T on transcript NM_000540.3 (MANE Select); coding-DNA position 9456, C replaced by T.
Protein change: p.Phe3152=; no amino-acid change (phenylalanine 3152 retained).
Molecular consequence: synonymous variant.
Genome position (GRCh38, 1-based): chr19:38,512,467, C>T. VCF-style: chr19-38512467-C-T. GRCh37 (hg19) VCF-style: chr19-39003107-C-T.
Other names: c.9456C>T, p.Phe3152= (NM_001042723.2).
Identifiers: ClinVar variation 167621 (VCV000167621.44), dbSNP rs369206584, ClinGen allele CA024984.

ClinVar aggregate classification (germline): Conflicting classifications of pathogenicity. Review status: criteria provided, conflicting classifications (1 of 4 stars). 8 submissions from 8 submitters: Uncertain significance (1); Likely benign (6). 1 of the submissions does not count toward it. Last evaluated 2026-01-28.

Conditions:
RYR1-related disorder. Also called: RYR1-related disorders; RYR1-related condition. Identifiers: MedGen CN239331.
Malignant hyperthermia, susceptibility to, 1 (MHS1). Also called: Anesthesia related hyperthermia; Malignant hyperpyrexia; Fulminating hyperpyrexia; Pharmacogenic myopathy; RYR1-Related Malignant Hyperthermia Susceptibility; Malignant hyperthermia suceptibility 1. Identifiers: Orphanet 423, MedGen C2930980, MONDO:0007783, OMIM 145600.

Allele frequency attached by ClinVar (database versions not stated): gnomAD 0.00005; TOPMed 0.00007; ESP Exome Variant Server 0.00008; ExAC 0.00013.
gnomAD v4.1: 148 of 1,611,994 alleles (0.0092%); highest among the groups gnomAD compares: Middle Eastern, 0.033%; no homozygotes.

Submissions (8):

Labcorp Genetics (formerly Invitae), Labcorp
Classification: Likely benign for RYR1-related disorder. Last evaluated: 2026-01-28. Review status: criteria provided, single submitter. Criteria: Invitae Variant Classification Sherloc (09022015). Collection method: clinical testing. Allele origin: germline.

CeGaT Center for Human Genetics Tuebingen
Classification: Likely benign. Last evaluated: 2025-01-01. Review status: criteria provided, single submitter. Criteria: CeGaT Center For Human Genetics Tuebingen Variant Classification Criteria Version 2. Collection method: clinical testing. Allele origin: germline. Affected: yes. Observed: 11 variant alleles.
Comment: RYR1: BP4, BP7

Blueprint Genetics
Classification: Likely benign. Last evaluated: 2024-11-14. Review status: criteria provided, single submitter. Criteria: ACMG Guidelines, 2015. Collection method: clinical testing. Allele origin: germline.

All of Us Research Program, National Institutes of Health
Classification: Likely benign for Malignant hyperthermia, susceptibility to, 1. Last evaluated: 2023-12-01. Review status: criteria provided, single submitter. Criteria: ACMG Guidelines, 2015. Collection method: clinical testing. Allele origin: germline. Inheritance: Autosomal dominant inheritance. Observed: 28 variant alleles, 28 heterozygotes.
Comment: This study involves interpretation of variants in research participants for the purpose of population health screening. Participant phenotype was not available at the time of variant classification. Additional details can be found in publication PMID: 35346344, PMCID: PMC8962531

Color Diagnostics, LLC DBA Color Health
Classification: Likely benign for Malignant hyperthermia, susceptibility to, 1. Last evaluated: 2022-10-20. Review status: criteria provided, single submitter. Criteria: ACMG Guidelines, 2015. Collection method: clinical testing. Allele origin: germline.

GeneDx
Classification: Likely benign. Last evaluated: 2016-06-28. Review status: criteria provided, single submitter. Criteria: GeneDx Variant Classification (06012015). Collection method: clinical testing. Allele origin: germline. Affected: yes.
Comment: This variant is considered likely benign or benign based on one or more of the following criteria: it is a conservative change, it occurs at a poorly conserved position in the protein, it is predicted to be benign by multiple in silico algorithms, and/or has population frequency not consistent with disease.

Eurofins Ntd Llc (ga)
Classification: Uncertain significance. Last evaluated: 2014-04-17. Review status: criteria provided, single submitter. Criteria: EGL Classification Definitions 2015. Collection method: clinical testing. Allele origin: germline. Observed: 1 variant allele, 1 heterozygote.

PreventionGenetics, part of Exact Sciences
Classification: Likely benign for RYR1-related condition. Last evaluated: 2022-12-01. Review status: no assertion criteria provided. Collection method: clinical testing. Allele origin: germline. Not counted in ClinVar's aggregate classification.
Comment: This variant is classified as likely benign based on ACMG/AMP sequence variant interpretation guidelines (Richards et al. 2015 PMID: 25741868, with internal and published modifications).